The following is an entry in ClinVar:

NM_001042492.3(NF1):c.61-19T>C

Gene: NF1 (neurofibromin 1; plus strand). Cytogenetic location: 17q11.2.
Variant type: single nucleotide variant.
Coding change: c.61-19T>C on transcript NM_001042492.3 (MANE Select); 19 bases into the intron before coding-DNA position 61, T replaced by C.
Molecular consequence: intron variant.
Genome position (GRCh38, 1-based): chr17:31,155,964, T>C. VCF-style: chr17-31155964-T-C. GRCh37 (hg19) VCF-style: chr17-29482982-T-C.
Other names: c.61-19T>C (NM_000267.4, NM_001128147.3).
Identifiers: ClinVar variation 1642467 (VCV001642467.12), dbSNP rs185325140, ClinGen allele CA8485461.
Genomic context (GRCh38, chr17:31,155,964, plus strand): 5'-TTTTCAATGGCAAGTAAGTTATTTATGGTCGTTTTTAAGGATAAGCTGTTAACGTGTTTT[T>C]TTTTTCTTTTTTTTTCAGCTTCCAATAAAAACAGGACAGCAGAACACACATACCAAAGTC-3'

ClinVar aggregate classification (germline): Benign/Likely benign. Review status: criteria provided, multiple submitters, no conflicts (2 of 4 stars). 5 submissions from 5 submitters: Benign (1); Likely benign (4). Last evaluated 2026-05-11.

Conditions:
Neurofibromatosis, type 1 (NF1). Also called: NEUROFIBROMATOSIS, TYPE I, SOMATIC; VON RECKLINGHAUSEN DISEASE; Peripheral type neurofibromatosis; Neurofibromatosis, type I. Identifiers: Orphanet 636, MedGen C0027831, MONDO:0018975, OMIM 162200. Disease mechanism: loss of function.
Neurofibromatosis, familial spinal (FSNF). Identifiers: Orphanet 636, MedGen C1834235, MONDO:0008078, OMIM 162210. Disease mechanism: loss of function.
Juvenile myelomonocytic leukemia (JMML). Also called: LEUKEMIA, JUVENILE MYELOMONOCYTIC, SOMATIC. Identifiers: Orphanet 86834, MedGen C0349639, MONDO:0011908, OMIM 607785, HP:0012209.
Neurofibromatosis-Noonan syndrome (NFNS). Also called: NEUROFIBROMATOSIS WITH NOONAN PHENOTYPE. Identifiers: Orphanet 638, MedGen C2931482, MONDO:0011035, OMIM 601321. Disease mechanism: loss of function.
Café-au-lait macules with pulmonary stenosis (WTSN). Also called: PULMONIC STENOSIS WITH CAFE-AU-LAIT SPOTS. Identifiers: MedGen C0553586, MONDO:0008672, OMIM 193520.

Allele frequency attached by ClinVar (database versions not stated): ExAC 0.00005; 1000 Genomes Project 0.00020; gnomAD exomes 0.00025; 1000 Genomes Project 30x 0.00031.
gnomAD v4.1: 218 of 1,611,324 alleles (0.014%); highest among the groups gnomAD compares: Admixed American, 0.35%; 3 homozygotes.

Submissions (5):

Myriad Genetics, Inc.
Classification: Likely benign for Neurofibromatosis, type 1. Last evaluated: 2026-05-11. Review status: criteria provided, single submitter. Criteria: Myriad Autosomal Dominant, Autosomal Recessive and X-Linked Classification Criteria (2023). Collection method: clinical testing. Allele origin: unknown.
Comment: This variant is considered likely benign. This variant is intronic and is not expected to impact mRNA splicing.

Women's Health and Genetics/Laboratory Corporation of America, LabCorp
Classification: Benign. Last evaluated: 2024-10-04. Review status: criteria provided, single submitter. Criteria: LabCorp Variant Classification Summary - May 2015. Collection method: clinical testing. Allele origin: germline.

Blueprint Genetics
Classification: Likely benign. Last evaluated: 2024-09-20. Review status: criteria provided, single submitter. Criteria: ACMG Guidelines, 2015. Collection method: clinical testing. Allele origin: germline.

Fulgent Genetics
Classification: Likely benign for Neurofibromatosis, type 1; Neurofibromatosis, familial spinal; Café-au-lait macules with pulmonary stenosis; Neurofibromatosis-Noonan syndrome; Juvenile myelomonocytic leukemia. Last evaluated: 2021-11-30. Review status: criteria provided, single submitter. Criteria: ACMG Guidelines, 2015. Collection method: clinical testing. Allele origin: unknown.

Labcorp Genetics (formerly Invitae), Labcorp
Classification: Likely benign for Neurofibromatosis, type 1. Last evaluated: 2021-03-26. Review status: criteria provided, single submitter. Criteria: Invitae Variant Classification Sherloc (09022015). Collection method: clinical testing. Allele origin: germline.